The following is an entry in ClinVar:

NM_001160148.2(DDHD1):c.579C>T (p.Ala193=)

Gene: DDHD1 (DDHD domain containing 1; minus strand). Cytogenetic location: 14q22.1.
Variant type: single nucleotide variant.
Coding change: c.579C>T on transcript NM_001160148.2 (MANE Select); coding-DNA position 579, C replaced by T.
Protein change: p.Ala193=; no amino-acid change (alanine 193 retained).
Molecular consequence: synonymous variant.
Genome position (GRCh38, 1-based): chr14:53,152,520, G>A on the plus strand (C>T on the coding strand, the complement: DDHD1 is on the minus strand). VCF-style: chr14-53152520-G-A. GRCh37 (hg19) VCF-style: chr14-53619238-G-A.
Other names: c.579C>T, p.Ala193= (NM_001160147.2, NM_030637.3).
Identifiers: ClinVar variation 532961 (VCV000532961.33), dbSNP rs149564453, ClinGen allele CA7191461.

ClinVar aggregate classification (germline): Likely benign. Review status: criteria provided, multiple submitters, no conflicts (2 of 4 stars). 2 submissions from 2 submitters: Likely benign (2). Last evaluated 2026-01-07.

Conditions:
Hereditary spastic paraplegia 28. Also called: Spastic paraplegia 28, autosomal recessive. Identifiers: Orphanet 101008, MedGen C1836295, MONDO:0012256, OMIM 609340.

Allele frequency attached by ClinVar (database versions not stated): gnomAD exomes 0.00006 and 0.00009; ExAC 0.00007; gnomAD 0.00007 and 0.00008; TOPMed 0.00009; ESP Exome Variant Server 0.00031.
gnomAD v4.1: 97 of 1,613,342 alleles (0.006%); highest among the groups gnomAD compares: Non-Finnish European, 0.0051%; no homozygotes.

Submissions (2):

Labcorp Genetics (formerly Invitae), Labcorp
Classification: Likely benign for Hereditary spastic paraplegia 28. Last evaluated: 2026-01-07. Review status: criteria provided, single submitter. Criteria: Invitae Variant Classification Sherloc (09022015). Collection method: clinical testing. Allele origin: germline.

CeGaT Center for Human Genetics Tuebingen
Classification: Likely benign. Last evaluated: 2022-09-01. Review status: criteria provided, single submitter. Criteria: CeGaT Center For Human Genetics Tuebingen Variant Classification Criteria Version 2. Collection method: clinical testing. Allele origin: germline. Affected: yes. Observed: 2 variant alleles.
Comment: DDHD1: BP4, BP7